The following is an entry in ClinVar:

ClinVar aggregate classification (germline): Likely pathogenic (1 of 4 stars; one submission).

Conditions:
Familial thoracic aortic aneurysm and aortic dissection (TAAD). Also called: Thoracic aortic aneurysms and dissections. Identifiers: Orphanet 91387, MedGen C4707243, MONDO:0019625.

Submission:

Color Diagnostics, LLC DBA Color Health
Classification: Likely pathogenic for Familial thoracic aortic aneurysm and aortic dissection. Last evaluated: 2025-07-10. Review status: criteria provided, single submitter. Criteria: ACMG Guidelines, 2015. Collection method: clinical testing. Allele origin: germline.
Comment: This missense variant replaces glycine with alanine at codon 873 of the COL3A1 protein. This variant changes one of the conserved glycine residues within the Gly-Xaa-Yaa repeat motifs of the triple helical domain of the COL3A1 protein. Although functional studies have not been reported for this variant, conserved glycine residues within the Gly-Xaa-Yaa repeats are required for the structural stability of fibrillar collagens (PMID: 7695699, 8218237, 19344236) and missense variants occurring at these glycine residues have been associated with disease (PMID: 24922459, 25758994). This variant has not been reported in individuals affected with COL3A1-related disorders in the literature. This variant has not been identified in the general population by the Genome Aggregation Database (gnomAD). Based on the available evidence, this variant is classified as Likely Pathogenic.

Literature cited by the submitters: PubMed 7695699; PubMed 8218237; PubMed 19344236; PubMed 24922459; PubMed 25758994.

NM_000090.4(COL3A1):c.2618G>C (p.Gly873Ala)

Gene: COL3A1 (collagen type III alpha 1 chain; plus strand). Cytogenetic location: 2q32.2.
Variant type: single nucleotide variant.
Coding change: c.2618G>C on transcript NM_000090.4 (MANE Select); coding-DNA position 2618, G replaced by C.
Protein change: p.Gly873Ala; replaces glycine 873 with alanine.
Molecular consequence: missense variant.
Genome position (GRCh38, 1-based): chr2:189,003,744, G>C. VCF-style: chr2-189003744-G-C. GRCh37 (hg19) VCF-style: chr2-189868470-G-C.
Other names: short protein forms G873A.
Identifiers: ClinVar variation 4756700 (VCV004756700.1).